The following is an entry in ClinVar:

NM_004531.5(MOCS2):c.140T>C (p.Ile47Thr)

Gene: MOCS2 (molybdenum cofactor synthesis 2; minus strand). Cytogenetic location: 5q11.2.
Variant type: single nucleotide variant.
Coding change: c.140T>C on transcript NM_004531.5 (MANE Select); coding-DNA position 140, T replaced by C.
Protein change: p.Ile47Thr; replaces isoleucine 47 with threonine.
Molecular consequence: missense variant. On other transcripts: 3 prime UTR variant (1).
Genome position (GRCh38, 1-based): chr5:53,102,183, A>G on the plus strand (T>C on the coding strand, the complement: MOCS2 is on the minus strand). VCF-style: chr5-53102183-A-G. GRCh37 (hg19) VCF-style: chr5-52398013-A-G.
Other names: c.*60T>C (NM_176806.4); short protein forms I47T.
Identifiers: ClinVar variation 1407520 (VCV001407520.6), dbSNP rs146784991, ClinGen allele CA3263707.

ClinVar aggregate classification (germline): Uncertain significance (1 of 4 stars; one submission).

Allele frequency attached by ClinVar (database versions not stated): gnomAD exomes 0.00001; ExAC 0.00002; ESP Exome Variant Server 0.00008.
gnomAD v4.1: 7 of 1,612,424 alleles (0.00043%); highest among the groups gnomAD compares: Admixed American, 0.0017%; no homozygotes.

Submission:

Labcorp Genetics (formerly Invitae), Labcorp
Classification: Uncertain significance. Last evaluated: 2021-12-02. Review status: criteria provided, single submitter. Criteria: Invitae Variant Classification Sherloc (09022015). Collection method: clinical testing. Allele origin: germline.
Comment: In summary, the available evidence is currently insufficient to determine the role of this variant in disease. Therefore, it has been classified as a Variant of Uncertain Significance. Algorithms developed to predict the effect of missense changes on protein structure and function are either unavailable or do not agree on the potential impact of this missense change (SIFT: "Deleterious"; PolyPhen-2: "Possibly Damaging"; Align-GVGD: "Class C15"). This variant has not been reported in the literature in individuals affected with MOCS2B-related conditions. This variant is present in population databases (rs146784991, gnomAD 0.003%). This sequence change replaces isoleucine, which is neutral and non-polar, with threonine, which is neutral and polar, at codon 47 of the MOCS2B protein (p.Ile47Thr).